The following is an entry in ClinVar:

NM_003002.4(SDHD):c.217A>G (p.Ser73Gly)

Gene: SDHD (succinate dehydrogenase complex subunit D; plus strand). Cytogenetic location: 11q23.1.
Variant type: single nucleotide variant.
Coding change: c.217A>G on transcript NM_003002.4 (MANE Select); coding-DNA position 217, A replaced by G.
Protein change: p.Ser73Gly; replaces serine 73 with glycine.
Molecular consequence: missense variant. On other transcripts: non-coding transcript variant (1), intron variant (1).
Genome position (GRCh38, 1-based): chr11:112,088,914, A>G. VCF-style: chr11-112088914-A-G. GRCh37 (hg19) VCF-style: chr11-111959638-A-G.
Other names: c.100A>G, p.Ser34Gly (NM_001276504.2); c.217A>G, p.Ser73Gly (NM_001276506.2); c.169+941A>G (NM_001276503.2); short protein forms S73G, S34G.
Identifiers: ClinVar variation 412499 (VCV000412499.20), dbSNP rs748545223, ClinGen allele CA070865.

ClinVar aggregate classification (germline): Uncertain significance. Review status: criteria provided, multiple submitters, no conflicts (2 of 4 stars). 5 submissions from 5 submitters: Uncertain significance (5). Last evaluated 2025-11-05.

Conditions:
Gastrointestinal stromal tumor. Also called: Gastrointestinal stroma tumor; Gastrointestinal stromal tumor, somatic. Identifiers: Orphanet 44890, MedGen C0238198, MeSH D046152, MONDO:0011719, OMIM 606764, HP:0100723.
Paragangliomas with sensorineural hearing loss. Identifiers: MedGen C1868633.
Pheochromocytoma. Also called: MAX-Related Hereditary Paraganglioma-Pheochromocytoma Syndrome. Identifiers: Orphanet 29072, MedGen C0031511, MONDO:0008233, OMIM 171300, HP:0002666.
Carney-Stratakis syndrome. Also called: PARAGANGLIOMA AND GASTROINTESTINAL STROMAL TUMOR. Identifiers: Orphanet 97286, MedGen C1847319, MONDO:0011740, OMIM 606864.
Cowden syndrome 3 (CWS3). Identifiers: Orphanet 201, MedGen CN166604, MONDO:0014045.
Mitochondrial complex 2 deficiency, nuclear type 3. Also called: MITOCHONDRIAL COMPLEX II DEFICIENCY, NUCLEAR TYPE 3. Identifiers: MedGen C5436934, MONDO:0030937, OMIM 619167.
Hereditary cancer-predisposing syndrome. Also called: Hereditary Cancer Syndrome; Tumor predisposition; Hereditary neoplastic syndrome; Neoplastic Syndromes, Hereditary. Identifiers: Orphanet 140162, MedGen C0027672, MeSH D009386, MONDO:0015356.

Allele frequency attached by ClinVar (database versions not stated): ExAC 0.00001; gnomAD 0.00001; gnomAD exomes 0.00001; TOPMed 0.00001.
gnomAD v4.1: 5 of 1,612,986 alleles (0.00031%); highest among the groups gnomAD compares: East Asian, 0.0067%; no homozygotes.

Submissions (5):

Ambry Genetics
Classification: Uncertain significance for Hereditary cancer-predisposing syndrome. Last evaluated: 2025-11-05. Review status: criteria provided, single submitter. Criteria: Ambry Variant Classification Scheme 2023. Collection method: clinical testing. Allele origin: germline.
Comment: The p.S73G variant (also known as c.217A>G), located in coding exon 3 of the SDHD gene, results from an A to G substitution at nucleotide position 217. The serine at codon 73 is replaced by glycine, an amino acid with similar properties. This variant was detected in 2/314 Chinese pheochromocytoma or paraganglioma (PPGL) patients (Ma X et al. Front Endocrinol (Lausanne), 2020 Dec;11:574662). Based on internal structural analysis, this variant is anticipated to disrupt a region of known function. This amino acid position is highly conserved in available vertebrate species. In addition, this alteration is predicted to be deleterious by in silico analysis. Based on the available evidence, the clinical significance of this variant remains unclear.

Labcorp Genetics (formerly Invitae), Labcorp
Classification: Uncertain significance for Carney-Stratakis syndrome; Paragangliomas with sensorineural hearing loss; Pheochromocytoma; Cowden syndrome 3. Last evaluated: 2025-09-30. Review status: criteria provided, single submitter. Criteria: Invitae Variant Classification Sherloc (09022015). Collection method: clinical testing. Allele origin: germline.
Comment: This sequence change replaces serine, which is neutral and polar, with glycine, which is neutral and non-polar, at codon 73 of the SDHD protein (p.Ser73Gly). This variant is present in population databases (rs748545223, gnomAD 0.01%). This missense change has been observed in individual(s) with clinical features of paraganglioma-pheochromocytoma syndromes (PMID: 33362715). ClinVar contains an entry for this variant (Variation ID: 412499). Invitae Evidence Modeling of protein sequence and biophysical properties (such as structural, functional, and spatial information, amino acid conservation, physicochemical variation, residue mobility, and thermodynamic stability) indicates that this missense variant is expected to disrupt SDHD protein function with a positive predictive value of 95%. In summary, the available evidence is currently insufficient to determine the role of this variant in disease. Therefore, it has been classified as a Variant of Uncertain Significance.

Baylor Genetics
Classification: Uncertain significance for Mitochondrial complex 2 deficiency, nuclear type 3. Last evaluated: 2024-01-03. Review status: criteria provided, single submitter. Criteria: ACMG Guidelines, 2015. Collection method: clinical testing. Allele origin: unknown.

GeneDx
Classification: Uncertain significance. Last evaluated: 2023-05-22. Review status: criteria provided, single submitter. Criteria: GeneDx Variant Classification Process June 2021. Collection method: clinical testing. Allele origin: germline. Affected: yes.
Comment: Not observed at significant frequency in large population cohorts (gnomAD); In silico analysis supports that this missense variant has a deleterious effect on protein structure/function; This variant is associated with the following publications: (PMID: 30548481, 33362715)

Quest Diagnostics Nichols Institute San Juan Capistrano
Classification: Uncertain significance. Last evaluated: 2021-04-29. Review status: criteria provided, single submitter. Criteria: Quest Diagnostics criteria. Collection method: clinical testing. Allele origin: unknown.

Literature cited by the submitters: PubMed 33362715 (cited by Ambry Genetics and Labcorp Genetics (formerly Invitae), Labcorp).